The following is an entry in ClinVar:

ClinVar aggregate classification (germline): Uncertain significance (1 of 4 stars; one submission).

Conditions:
Progressive familial heart block type IB (PFHB1B). Identifiers: Orphanet 871, MedGen C1970298, MONDO:0011474, OMIM 604559.

gnomAD v4.1: 1 of 1,614,162 alleles (0.000062%); highest among the groups gnomAD compares: East Asian, 0.0022%; no homozygotes.

Submission:

Labcorp Genetics (formerly Invitae), Labcorp
Classification: Uncertain significance for Progressive familial heart block type IB. Last evaluated: 2025-04-18. Review status: criteria provided, single submitter. Criteria: Invitae Variant Classification Sherloc (09022015). Collection method: clinical testing. Allele origin: germline.
Comment: This sequence change affects an acceptor splice site in intron 12 of the TRPM4 gene. It is expected to disrupt RNA splicing. Variants that disrupt the donor or acceptor splice site typically lead to a loss of protein function (PMID: 16199547), however the current clinical and genetic evidence is not sufficient to establish whether loss-of-function variants in TRPM4 cause disease. This variant is not present in population databases (gnomAD no frequency). This variant has not been reported in the literature in individuals affected with TRPM4-related conditions. ClinVar contains an entry for this variant (Variation ID: 468931). Algorithms developed to predict the effect of sequence changes on RNA splicing suggest that this variant may disrupt the consensus splice site. In summary, the available evidence is currently insufficient to determine the role of this variant in disease. Therefore, it has been classified as a Variant of Uncertain Significance.

Literature cited by the submitters: PubMed 16199547.

NM_017636.4(TRPM4):c.1744-1G>A

Gene: TRPM4 (transient receptor potential cation channel subfamily M member 4; plus strand). Cytogenetic location: 19q13.33.
Variant type: single nucleotide variant.
Coding change: c.1744-1G>A on transcript NM_017636.4 (MANE Select); the canonical splice acceptor site of the intron before coding-DNA position 1744, G replaced by A.
Molecular consequence: splice acceptor variant.
Genome position (GRCh38, 1-based): chr19:49,188,640, G>A. VCF-style: chr19-49188640-G-A. GRCh37 (hg19) VCF-style: chr19-49691897-G-A.
Other names: c.1744-1G>A (NM_001195227.2); c.136-1G>A (NM_001321282.2); c.1399-1G>A (NM_001321281.2); c.1222-1G>A (NM_001321283.2); c.682-1G>A (NM_001321285.2).
Identifiers: ClinVar variation 468931 (VCV000468931.7), dbSNP rs1372687517, ClinGen allele CA406802621.